The following is an entry in ClinVar:

NM_004341.5(CAD):c.6041T>C (p.Met2014Thr)

Gene: CAD (carbamoyl-phosphate synthetase 2, aspartate transcarbamylase, and dihydroorotase; plus strand). Cytogenetic location: 2p23.3.
Variant type: single nucleotide variant.
Coding change: c.6041T>C on transcript NM_004341.5 (MANE Select); coding-DNA position 6041, T replaced by C.
Protein change: p.Met2014Thr; replaces methionine 2014 with threonine.
Molecular consequence: missense variant.
Genome position (GRCh38, 1-based): chr2:27,242,068, T>C. VCF-style: chr2-27242068-T-C. GRCh37 (hg19) VCF-style: chr2-27464936-T-C.
Other names: c.5852T>C, p.Met1951Thr (NM_001306079.2); short protein forms M1951T, M2014T.
Identifiers: ClinVar variation 4071848 (VCV004071848.2).

ClinVar aggregate classification (germline): Uncertain significance (1 of 4 stars; one submission).

Submission:

GeneDx
Classification: Uncertain significance. Last evaluated: 2026-08-19. Review status: criteria provided, single submitter. Criteria: GeneDx Variant Classification Process June 2021. Collection method: clinical testing. Allele origin: germline.
Comment: Not observed at significant frequency in large population cohorts (gnomAD); In silico analysis supports that this missense variant has a deleterious effect on protein structure/function; Has not been previously published as pathogenic or benign to our knowledge